The following is an entry in ClinVar:

NM_001130009.3(GEN1):c.232C>G (p.Pro78Ala)

Gene: GEN1 (GEN1 Holliday junction 5' flap endonuclease; plus strand). Cytogenetic location: 2p24.2.
Variant type: single nucleotide variant.
Coding change: c.232C>G on transcript NM_001130009.3 (MANE Select); coding-DNA position 232, C replaced by G.
Protein change: p.Pro78Ala; replaces proline 78 with alanine.
Molecular consequence: missense variant.
Genome position (GRCh38, 1-based): chr2:17,761,466, C>G. VCF-style: chr2-17761466-C-G. GRCh37 (hg19) VCF-style: chr2-17942733-C-G.
Other names: c.232C>G, p.Pro78Ala (NM_182625.5); short protein forms P78A.
Identifiers: ClinVar variation 4262984 (VCV004262984.1).

ClinVar aggregate classification (germline): Uncertain significance (1 of 4 stars; one submission).

gnomAD v4.1: 4 of 1,612,548 alleles (0.00025%); highest among the groups gnomAD compares: Non-Finnish European, 0.00034%; no homozygotes.

Submission:

Ambry Genetics
Classification: Uncertain significance. Last evaluated: 2025-06-19. Review status: criteria provided, single submitter. Criteria: Ambry Variant Classification Scheme 2023. Collection method: clinical testing. Allele origin: germline.
Comment: The p.P78A variant (also known as c.232C>G), located in coding exon 2 of the GEN1 gene, results from a C to G substitution at nucleotide position 232. The proline at codon 78 is replaced by alanine, an amino acid with highly similar properties. This amino acid position is conserved. In addition, this alteration is predicted to be tolerated by in silico analysis. Based on the available evidence, the clinical significance of this variant remains unclear.